The following is an entry in ClinVar:

NM_001130965.3(SUN1):c.860G>A (p.Arg287Gln)

Gene: SUN1 (Sad1 and UNC84 domain containing 1; plus strand). Cytogenetic location: 7p22.3.
Variant type: single nucleotide variant.
Coding change: c.860G>A on transcript NM_001130965.3 (MANE Select); coding-DNA position 860, G replaced by A.
Protein change: p.Arg287Gln; replaces arginine 287 with glutamine.
Molecular consequence: missense variant. On other transcripts: synonymous variant (1), non-coding transcript variant (3).
Genome position (GRCh38, 1-based): chr7:852,617, G>A. VCF-style: chr7-852617-G-A. GRCh37 (hg19) VCF-style: chr7-892254-G-A.
Other names: c.860G>A, p.Arg287Gln (NM_001367665.1, NM_001367672.1, NM_001367633.1 and 3 more transcripts); c.1103G>A, p.Arg368Gln (NM_001367666.1, NM_001367691.1, NM_001367636.1 and 1 more transcripts); c.821G>A, p.Arg274Gln (NM_001367667.1, NM_001367689.1, NM_001367645.1 and 1 more transcripts); c.905G>A, p.Arg302Gln (NM_001367668.1, NM_001367647.1, NM_001367649.1); c.887G>A, p.Arg296Gln (NM_001367669.1); c.710G>A, p.Arg237Gln (NM_001367670.1, NM_001367671.1, NM_001367660.1 and 1 more transcripts); c.992G>A, p.Arg331Gln (NM_001367673.1, NM_001367646.1, NM_001367706.1 and 1 more transcripts); c.1058G>A, p.Arg353Gln (NM_001367674.1); and 24 more; short protein forms R135Q, R185Q, R282Q, R352Q, R353Q, R368Q, R385Q, R425Q.
Identifiers: ClinVar variation 2151845 (VCV002151845.4), dbSNP rs765200183, ClinGen allele CA4111964.

ClinVar aggregate classification (germline): Uncertain significance (1 of 4 stars; one submission).

Conditions:
Emery-Dreifuss muscular dystrophy (EDMD). Also called: Scapuloperoneal syndrome, X-linked (formerly); Humeroperoneal neuromuscular disease, (formerly). Identifiers: Orphanet 261, MedGen C0410189, MONDO:0016830.

Allele frequency attached by ClinVar (database versions not stated): gnomAD 0.00001; TOPMed 0.00001; ExAC 0.00004.

Submission:

Labcorp Genetics (formerly Invitae), Labcorp
Classification: Uncertain significance for Emery-Dreifuss muscular dystrophy. Last evaluated: 2022-02-02. Review status: criteria provided, single submitter. Criteria: Invitae Variant Classification Sherloc (09022015). Collection method: clinical testing. Allele origin: germline.
Comment: This sequence change replaces arginine, which is basic and polar, with glutamine, which is neutral and polar, at codon 287 of the SUN1 protein (p.Arg287Gln). This variant is present in population databases (rs765200183, gnomAD 0.05%). This variant has not been reported in the literature in individuals affected with SUN1-related conditions. Algorithms developed to predict the effect of missense changes on protein structure and function output the following: SIFT: "Tolerated"; PolyPhen-2: "Possibly Damaging"; Align-GVGD: "Class C0". The glutamine amino acid residue is found in multiple mammalian species, which suggests that this missense change does not adversely affect protein function. In summary, the available evidence is currently insufficient to determine the role of this variant in disease. Therefore, it has been classified as a Variant of Uncertain Significance.